The following is an entry in ClinVar:

ClinVar aggregate classification (germline): Uncertain significance. Review status: criteria provided, multiple submitters, no conflicts (2 of 4 stars). 2 submissions from 2 submitters: Uncertain significance (2). Last evaluated 2025-05-05.

Conditions:
Hereditary cancer-predisposing syndrome. Also called: Neoplastic Syndromes, Hereditary; Hereditary Cancer Syndrome; Tumor predisposition; Hereditary neoplastic syndrome. Identifiers: Orphanet 140162, MedGen C0027672, MeSH D009386, MONDO:0015356.
Melanoma, cutaneous malignant, susceptibility to, 5. Also called: Cutaneous malignant melanoma 5. Identifiers: Orphanet 618, MedGen C2751295, MONDO:0013133, OMIM 613099.

Allele frequency attached by ClinVar (database versions not stated): gnomAD 0.00004; ESP Exome Variant Server 0.00008.
gnomAD v4.1: 28 of 1,613,212 alleles (0.0017%); highest among the groups gnomAD compares: African/African-American, 0.017%; no homozygotes.

Submissions (2):

Unidad de Genética Molecular HGU Elche, Hospital General Universitario de Elche
Classification: Uncertain significance for Hereditary cancer-predisposing syndrome. Last evaluated: 2025-05-05. Review status: criteria provided, single submitter. Criteria: ACMG Guidelines, 2015. Collection method: clinical testing. Allele origin: germline. Affected: yes.
Comment: PM2 supporting; BP4 moderate; BP1 supporting

Labcorp Genetics (formerly Invitae), Labcorp
Classification: Uncertain significance for Melanoma, cutaneous malignant, susceptibility to, 5. Last evaluated: 2022-10-01. Review status: criteria provided, single submitter. Criteria: Invitae Variant Classification Sherloc (09022015). Collection method: clinical testing. Allele origin: germline.
Comment: This sequence change replaces serine, which is neutral and polar, with cysteine, which is neutral and slightly polar, at codon 41 of the MC1R protein (p.Ser41Cys). This variant is present in population databases (rs369674161, gnomAD 0.01%). This missense change has been observed in individual(s) with melanoma (PMID: 23647022). Advanced modeling of protein sequence and biophysical properties (such as structural, functional, and spatial information, amino acid conservation, physicochemical variation, residue mobility, and thermodynamic stability) performed at Invitae indicates that this missense variant is not expected to disrupt MC1R protein function. In summary, the available evidence is currently insufficient to determine the role of this variant in disease. Therefore, it has been classified as a Variant of Uncertain Significance.

Literature cited by the submitters: PubMed 23647022 (cited by Labcorp Genetics (formerly Invitae), Labcorp).

NM_002386.4(MC1R):c.122C>G (p.Ser41Cys)

Gene: MC1R (melanocortin 1 receptor; plus strand). Cytogenetic location: 16q24.3.
Variant type: single nucleotide variant.
Coding change: c.122C>G on transcript NM_002386.4 (MANE Select); coding-DNA position 122, C replaced by G.
Protein change: p.Ser41Cys; replaces serine 41 with cysteine.
Molecular consequence: missense variant.
Genome position (GRCh38, 1-based): chr16:89,919,380, C>G. VCF-style: chr16-89919380-C-G. GRCh37 (hg19) VCF-style: chr16-89985788-C-G.
Other names: short protein forms S41C.
Identifiers: ClinVar variation 2040411 (VCV002040411.5), dbSNP rs369674161, ClinGen allele CA8255491.